The following is an entry in ClinVar:

NM_000289.6(PFKM):c.246G>A (p.Thr82=)

Gene: PFKM (phosphofructokinase, muscle; plus strand). Cytogenetic location: 12q13.11.
Variant type: single nucleotide variant.
Coding change: c.246G>A on transcript NM_000289.6 (MANE Select); coding-DNA position 246, G replaced by A.
Protein change: p.Thr82=; no amino-acid change (threonine 82 retained).
Molecular consequence: synonymous variant. On other transcripts: non-coding transcript variant (6).
Genome position (GRCh38, 1-based): chr12:48,132,876, G>A. VCF-style: chr12-48132876-G-A. GRCh37 (hg19) VCF-style: chr12-48526659-G-A.
Other names: c.459G>A, p.Thr153= (NM_001166686.2, NM_001354737.1, NM_001354738.1 and 1 more transcripts); c.246G>A, p.Thr82= (NM_001166687.2, NM_001166688.2, NM_001354742.2 and 4 more transcripts); c.555G>A, p.Thr185= (NM_001354735.1, NM_001354736.1); c.390G>A, p.Thr130= (NM_001354740.1); c.270G>A, p.Thr90= (NM_001354741.2); c.159G>A, p.Thr53= (NM_001354745.2); c.96G>A, p.Thr32= (NM_001354747.2, NM_001354748.2).
Identifiers: ClinVar variation 255759 (VCV000255759.32), dbSNP rs2228501, ClinGen allele CA6536951.

ClinVar aggregate classification (germline): Benign. Review status: criteria provided, multiple submitters, no conflicts (2 of 4 stars). 8 submissions from 8 submitters: Benign (6). 2 of the submissions do not count toward it. Last evaluated 2026-02-04.

Conditions:
Glycogen storage disease, type VII (GSD7). Also called: MUSCLE PHOSPHOFRUCTOKINASE DEFICIENCY; PFKM DEFICIENCY; TARUI DISEASE; GSD VII. Identifiers: Orphanet 371, MedGen C0017926, MONDO:0009295, OMIM 232800.

Allele frequency attached by ClinVar (database versions not stated): 1000 Genomes Project 0.02716; 1000 Genomes Project 30x 0.02795; TOPMed 0.05319; gnomAD exomes 0.05707 and 0.08216; gnomAD 0.06014 and 0.06196; ESP Exome Variant Server 0.06466; ExAC 0.07690.
gnomAD v4.1: 128,193 of 1,611,564 alleles (8%); highest among the groups gnomAD compares: Non-Finnish European, 9.6%; 6,024 homozygotes.

Submissions (8):

Labcorp Genetics (formerly Invitae), Labcorp
Classification: Benign for Glycogen storage disease, type VII. Last evaluated: 2026-02-04. Review status: criteria provided, single submitter. Criteria: Invitae Variant Classification Sherloc (09022015). Collection method: clinical testing. Allele origin: germline.

ARUP Laboratories, Molecular Genetics and Genomics, ARUP Laboratories
Classification: Benign for Glycogen storage disease, type VII. Last evaluated: 2025-07-31. Review status: criteria provided, single submitter. Criteria: ARUP Molecular Germline Variant Investigation Process 2024. Collection method: clinical testing. Allele origin: germline.

Illumina Laboratory Services, Illumina
Classification: Benign for Glycogen storage disease, type VII. Last evaluated: 2018-01-13. Review status: criteria provided, single submitter. Criteria: ICSL Variant Classification Criteria 13 December 2019. Collection method: clinical testing. Allele origin: germline.
Comment: This variant was observed in the ICSL laboratory as part of a predisposition screen in an ostensibly healthy population. It had not been previously curated by ICSL or reported in the Human Gene Mutation Database (HGMD: prior to June 1st, 2018), and was therefore a candidate for classification through an automated scoring system. Utilizing variant allele frequency, disease prevalence and penetrance estimates, and inheritance mode, an automated score was calculated to assess if this variant is too frequent to cause the disease. Based on the score and internal cut-off values, a variant classified as benign is not then subjected to further curation. The score for this variant resulted in a classification of benign for this disease.

GeneDx
Classification: Benign. Last evaluated: 2015-12-21. Review status: criteria provided, single submitter. Criteria: GeneDx Variant Classification (06012015). Collection method: clinical testing. Allele origin: germline. Affected: yes.
Comment: This variant is considered likely benign or benign based on one or more of the following criteria: it is a conservative change, it occurs at a poorly conserved position in the protein, it is predicted to be benign by multiple in silico algorithms, and/or has population frequency not consistent with disease.

Breakthrough Genomics
Classification: Benign. Review status: criteria provided, single submitter. Criteria: ACMG Guidelines, 2015. Collection method: not provided. Allele origin: germline. Inheritance: Autosomal recessive inheritance. Affected: yes.

PreventionGenetics, part of Exact Sciences
Classification: Benign. Review status: criteria provided, single submitter. Criteria: ACMG Guidelines, 2015. Collection method: clinical testing. Allele origin: germline.

Natera, Inc.
Classification: Benign for Glycogen storage disease type VII. Last evaluated: 2020-09-16. Review status: no assertion criteria provided. Collection method: clinical testing. Allele origin: germline. Not counted in ClinVar's aggregate classification.

Mayo Clinic Laboratories, Mayo Clinic
Classification: Benign. Last evaluated: 2015-10-26. Review status: no assertion criteria provided. Collection method: clinical testing. Allele origin: unknown. Not counted in ClinVar's aggregate classification.